The following is an entry in ClinVar:

NM_000057.4(BLM):c.1837A>C (p.Thr613Pro)

Gene: BLM (BLM RecQ like helicase; plus strand). Cytogenetic location: 15q26.1.
Variant type: single nucleotide variant.
Coding change: c.1837A>C on transcript NM_000057.4 (MANE Select); coding-DNA position 1837, A replaced by C.
Protein change: p.Thr613Pro; replaces threonine 613 with proline.
Molecular consequence: missense variant.
Genome position (GRCh38, 1-based): chr15:90,761,210, A>C. VCF-style: chr15-90761210-A-C. GRCh37 (hg19) VCF-style: chr15-91304440-A-C.
Other names: c.1837A>C, p.Thr613Pro (NM_001287246.2, NM_001287247.2); c.712A>C, p.Thr238Pro (NM_001287248.2); short protein forms T238P, T613P.
Identifiers: ClinVar variation 1715750 (VCV001715750.7), dbSNP rs2505429552, ClinGen allele CA393843948.

ClinVar aggregate classification (germline): Uncertain significance. Review status: criteria provided, multiple submitters, no conflicts (2 of 4 stars). 2 submissions from 2 submitters: Uncertain significance (2). Last evaluated 2026-02-23.

Conditions:
Hereditary cancer-predisposing syndrome. Also called: Tumor predisposition; Hereditary Cancer Syndrome; Hereditary neoplastic syndrome; Neoplastic Syndromes, Hereditary. Identifiers: Orphanet 140162, MedGen C0027672, MeSH D009386, MONDO:0015356.
Bloom syndrome (BLM). Also called: Bloom-Torre-Machacek syndrome. Identifiers: Orphanet 125, MedGen C0005859, MONDO:0008876, OMIM 210900.

Submissions (2):

Ambry Genetics
Classification: Uncertain significance for Hereditary cancer-predisposing syndrome. Last evaluated: 2026-02-23. Review status: criteria provided, single submitter. Criteria: Ambry Variant Classification Scheme 2023. Collection method: clinical testing. Allele origin: germline.
Comment: The p.T613P variant (also known as c.1837A>C), located in coding exon 6 of the BLM gene, results from an A to C substitution at nucleotide position 1837. The threonine at codon 613 is replaced by proline, an amino acid with highly similar properties. This amino acid position is conserved. In addition, this alteration is predicted to be tolerated by in silico analysis. Based on the available evidence, the clinical significance of this variant remains unclear.

Labcorp Genetics (formerly Invitae), Labcorp
Classification: Uncertain significance for Bloom syndrome. Last evaluated: 2022-08-08. Review status: criteria provided, single submitter. Criteria: Invitae Variant Classification Sherloc (09022015). Collection method: clinical testing. Allele origin: germline.
Comment: Algorithms developed to predict the effect of missense changes on protein structure and function (SIFT, PolyPhen-2, Align-GVGD) all suggest that this variant is likely to be tolerated. This variant has not been reported in the literature in individuals affected with BLM-related conditions. This variant is not present in population databases (gnomAD no frequency). This sequence change replaces threonine, which is neutral and polar, with proline, which is neutral and non-polar, at codon 613 of the BLM protein (p.Thr613Pro). In summary, the available evidence is currently insufficient to determine the role of this variant in disease. Therefore, it has been classified as a Variant of Uncertain Significance.